The following is an entry in ClinVar:

NM_001042492.3(NF1):c.7313_7314insAA (p.Tyr2438Ter)

Gene: NF1 (neurofibromin 1; plus strand). Cytogenetic location: 17q11.2.
Variant type: Insertion.
Coding change: c.7313_7314insAA on transcript NM_001042492.3 (MANE Select); coding-DNA positions 7313 to 7314, AA inserted.
Protein change: p.Tyr2438Ter; replaces tyrosine 2438 with a stop codon.
Molecular consequence: nonsense. On other transcripts: frameshift variant (1).
Genome position: GRCh38 VCF-style: chr17-31349242-T-TAA. GRCh37 (hg19) VCF-style: chr17-29676260-T-TAA.
Other names: c.7250_7251insAA, p.Tyr2417Terfs (NM_000267.4); short protein forms Y2417*, Y2438*.
Identifiers: ClinVar variation 3656749 (VCV003656749.2).

ClinVar aggregate classification (germline): Pathogenic (1 of 4 stars; one submission).

Conditions:
Neurofibromatosis, type 1 (NF1). Also called: Peripheral type neurofibromatosis; VON RECKLINGHAUSEN DISEASE; NEUROFIBROMATOSIS, TYPE I, SOMATIC; Neurofibromatosis, type I. Identifiers: Orphanet 636, MedGen C0027831, MONDO:0018975, OMIM 162200. Disease mechanism: loss of function.

Submission:

Labcorp Genetics (formerly Invitae), Labcorp
Classification: Pathogenic for Neurofibromatosis, type 1. Last evaluated: 2024-06-16. Review status: criteria provided, single submitter. Criteria: Invitae Variant Classification Sherloc (09022015). Collection method: clinical testing. Allele origin: germline.
Comment: This sequence change creates a premature translational stop signal (p.Tyr2417*) in the NF1 gene. It is expected to result in an absent or disrupted protein product. Loss-of-function variants in NF1 are known to be pathogenic (PMID: 10712197, 23913538). This variant is not present in population databases (gnomAD no frequency). This variant has not been reported in the literature in individuals affected with NF1-related conditions. For these reasons, this variant has been classified as Pathogenic.

Literature cited by the submitters: PubMed 10712197; PubMed 23913538.